The following is an entry in ClinVar:

NM_001927.4(DES):c.109C>T (p.Arg37Trp)

Gene: DES (desmin; plus strand). Cytogenetic location: 2q35.
Variant type: single nucleotide variant.
Coding change: c.109C>T on transcript NM_001927.4 (MANE Select); coding-DNA position 109, C replaced by T.
Protein change: p.Arg37Trp; replaces arginine 37 with tryptophan.
Molecular consequence: missense variant.
Genome position (GRCh38, 1-based): chr2:219,418,571, C>T. VCF-style: chr2-219418571-C-T. GRCh37 (hg19) VCF-style: chr2-220283293-C-T.
Other names: c.109C>T (LRG_380t1); short protein forms R37W.
Identifiers: ClinVar variation 264441 (VCV000264441.24), dbSNP rs537881554, ClinGen allele CA2125022.

ClinVar aggregate classification (germline): Uncertain significance. Review status: criteria provided, multiple submitters, no conflicts (2 of 4 stars). 8 submissions from 8 submitters: Uncertain significance (8). Last evaluated 2026-01-21.

Conditions:
Desmin-related myofibrillar myopathy (MFM1). Also called: Desmin related myopathy (former name); Desmin storage myopathy (former name); MYOFIBRILLAR MYOPATHY WITH ARRHYTHMOGENIC RIGHT VENTRICULAR CARDIOMYOPATHY; DESMIN-RELATED MYOPATHY WITH ARRHYTHMOGENIC RIGHT VENTRICULAR CARDIOMYOPATHY; Desminopathy; Myofibrillar myopathy 1. Identifiers: Orphanet 363543, Orphanet 98909, MedGen C1832370, MONDO:0011076, OMIM 601419.
Neurogenic scapuloperoneal syndrome, Kaeser type (SCPNK). Also called: KAESER SYNDROME. Identifiers: Orphanet 85146, MedGen C1867005, MONDO:0008407, OMIM 181400.
Dilated cardiomyopathy 1I (CMD1I). Identifiers: Orphanet 154, MedGen C1858154, MONDO:0011482, OMIM 604765.
Cardiovascular phenotype. Identifiers: MedGen CN230736.

Allele frequency attached by ClinVar (database versions not stated): gnomAD 0.00004; TOPMed 0.00014; 1000 Genomes Project 30x 0.00016; 1000 Genomes Project 0.00020.
gnomAD v4.1: 21 of 1,603,654 alleles (0.0013%); highest among the groups gnomAD compares: Admixed American, 0.025%; no homozygotes.

Submissions (8):

Labcorp Genetics (formerly Invitae), Labcorp
Classification: Uncertain significance for Desmin-related myofibrillar myopathy. Last evaluated: 2026-01-21. Review status: criteria provided, single submitter. Criteria: Invitae Variant Classification Sherloc (09022015). Collection method: clinical testing. Allele origin: germline.
Comment: This sequence change replaces arginine, which is basic and polar, with tryptophan, which is neutral and slightly polar, at codon 37 of the DES protein (p.Arg37Trp). The frequency data for this variant in the population databases is considered unreliable, as metrics indicate poor data quality at this position in the gnomAD database. This missense change has been observed in individual(s) with clinical features of DES-related conditions (PMID: 21520333). ClinVar contains an entry for this variant (Variation ID: 264441). Invitae Evidence Modeling of protein sequence and biophysical properties (such as structural, functional, and spatial information, amino acid conservation, physicochemical variation, residue mobility, and thermodynamic stability) has been performed for this missense variant. However, the output from this modeling did not meet the statistical confidence thresholds required to predict the impact of this variant on DES protein function. In summary, the available evidence is currently insufficient to determine the role of this variant in disease. Therefore, it has been classified as a Variant of Uncertain Significance.

Ambry Genetics
Classification: Uncertain significance for Cardiovascular phenotype. Last evaluated: 2024-02-01. Review status: criteria provided, single submitter. Criteria: Ambry Variant Classification Scheme 2023. Collection method: clinical testing. Allele origin: germline.
Comment: The p.R37W variant (also known as c.109C>T), located in coding exon 1 of the DES gene, results from a C to T substitution at nucleotide position 109. The arginine at codon 37 is replaced by tryptophan, an amino acid with dissimilar properties. This amino acid position is not well conserved in available vertebrate species. In addition, the in silico prediction for this alteration is inconclusive. Since supporting evidence is limited at this time, the clinical significance of this alteration remains unclear.

Athena Diagnostics
Classification: Uncertain significance. Last evaluated: 2023-05-05. Review status: criteria provided, single submitter. Criteria: Athena Diagnostics Criteria. Collection method: clinical testing. Allele origin: unknown.
Comment: Available data are insufficient to determine the clinical significance of the variant at this time. The frequency of this variant in the general population is uninformative in assessment of its pathogenicity. Computational tools disagree on the variant's effect on normal protein function.

Women's Health and Genetics/Laboratory Corporation of America, LabCorp
Classification: Uncertain significance. Last evaluated: 2023-01-29. Review status: criteria provided, single submitter. Criteria: LabCorp Variant Classification Summary - May 2015. Collection method: clinical testing. Allele origin: germline.

Revvity Omics, Revvity
Classification: Uncertain significance. Last evaluated: 2022-01-25. Review status: criteria provided, single submitter. Criteria: ACMG Guidelines, 2015. Collection method: clinical testing. Allele origin: germline.

Fulgent Genetics
Classification: Uncertain significance for Neurogenic scapuloperoneal syndrome, Kaeser type; Desmin-related myofibrillar myopathy; Dilated cardiomyopathy 1I. Last evaluated: 2021-09-21. Review status: criteria provided, single submitter. Criteria: ACMG Guidelines, 2015. Collection method: clinical testing. Allele origin: unknown.

GeneDx
Classification: Uncertain significance. Last evaluated: 2019-05-10. Review status: criteria provided, single submitter. Criteria: GeneDx Variant Classification Process June 2021. Collection method: clinical testing. Allele origin: germline. Affected: yes.
Comment: Has not been previously published as pathogenic or benign to our knowledge; Not observed at a significant frequency in large population cohorts (Lek et al., 2016); Reported as a variant of uncertain significance by two clinical laboratories in ClinVar but additional evidence is not available (ClinVar Variant ID# 264441; Landrum et al., 2016); In silico analysis, which includes protein predictors and evolutionary conservation, supports that this variant does not alter protein structure/function

Eurofins Ntd Llc (ga)
Classification: Uncertain significance. Last evaluated: 2016-11-18. Review status: criteria provided, single submitter. Criteria: EGL Classification Definitions 2015. Collection method: clinical testing. Allele origin: germline. Observed: 1 variant allele, 1 heterozygote.

Literature cited by the submitters: PubMed 21520333 (cited by Labcorp Genetics (formerly Invitae), Labcorp).